The following is an entry in ClinVar:

NM_018109.4(MTPAP):c.386A>G (p.Asn129Ser)

Gene: MTPAP (mitochondrial poly(A) polymerase; minus strand). Cytogenetic location: 10p11.23.
Variant type: single nucleotide variant.
Coding change: c.386A>G on transcript NM_018109.4 (MANE Select); coding-DNA position 386, A replaced by G.
Protein change: p.Asn129Ser; replaces asparagine 129 with serine.
Molecular consequence: missense variant.
Genome position (GRCh38, 1-based): chr10:30,340,395, T>C on the plus strand (A>G on the coding strand, the complement: MTPAP is on the minus strand). VCF-style: chr10-30340395-T-C. GRCh37 (hg19) VCF-style: chr10-30629324-T-C.
Other names: short protein forms N129S.
Identifiers: ClinVar variation 447744 (VCV000447744.2), dbSNP rs761483326, ClinGen allele CA5459204.

ClinVar aggregate classification (germline): Uncertain significance. Review status: criteria provided, multiple submitters, no conflicts (2 of 4 stars). 2 submissions from 2 submitters: Uncertain significance (2). Last evaluated 2024-09-04.

Allele frequency attached by ClinVar (database versions not stated): gnomAD exomes below 0.00001 and 0.00001; ExAC 0.00001; gnomAD 0.00001 and 0.00002; TOPMed 0.00002.
gnomAD v4.1: 19 of 1,614,060 alleles (0.0012%); highest among the groups gnomAD compares: South Asian, 0.014%; no homozygotes.

Submissions (2):

GeneDx
Classification: Uncertain significance. Last evaluated: 2024-09-04. Review status: criteria provided, single submitter. Criteria: GeneDx Variant Classification Process June 2021. Collection method: clinical testing. Allele origin: germline. Affected: yes.
Comment: Not observed at significant frequency in large population cohorts (gnomAD); In silico analysis indicates that this missense variant does not alter protein structure/function; Has not been previously published as pathogenic or benign to our knowledge

Athena Diagnostics
Classification: Uncertain significance. Last evaluated: 2016-11-09. Review status: criteria provided, single submitter. Criteria: Athena Diagnostics Criteria. Collection method: clinical testing. Allele origin: germline.